The following is an entry in ClinVar:

ClinVar aggregate classification (germline): Uncertain significance. Review status: criteria provided, multiple submitters, no conflicts (2 of 4 stars). 2 submissions from 2 submitters: Uncertain significance (2). Last evaluated 2024-03-19.

gnomAD v4.1: 1 of 1,613,978 alleles (0.000062%); highest among the groups gnomAD compares: Non-Finnish European, 0.000085%; no homozygotes.

Submissions (2):

GeneDx
Classification: Uncertain significance. Last evaluated: 2024-03-19. Review status: criteria provided, single submitter. Criteria: GeneDx Variant Classification Process June 2021. Collection method: clinical testing. Allele origin: germline. Affected: yes.
Comment: Not observed at significant frequency in large population cohorts (gnomAD); In silico analysis supports that this missense variant does not alter protein structure/function; Has not been previously published as pathogenic or benign to our knowledge; Not located in the triple helical region, where the majority of pathogenic missense variants occur (HGMD)

Blueprint Genetics
Classification: Uncertain significance. Last evaluated: 2021-10-21. Review status: criteria provided, single submitter. Criteria: ACMG Guidelines, 2015. Collection method: clinical testing. Allele origin: germline.

NM_000089.4(COL1A2):c.3782C>A (p.Ala1261Asp)

Gene: COL1A2 (collagen type I alpha 2 chain; plus strand). Cytogenetic location: 7q21.3.
Variant type: single nucleotide variant.
Coding change: c.3782C>A on transcript NM_000089.4 (MANE Select); coding-DNA position 3782, C replaced by A.
Protein change: p.Ala1261Asp; replaces alanine 1261 with aspartic acid.
Molecular consequence: missense variant.
Genome position (GRCh38, 1-based): chr7:94,429,258, C>A. VCF-style: chr7-94429258-C-A. GRCh37 (hg19) VCF-style: chr7-94058570-C-A.
Other names: short protein forms A1261D.
Identifiers: ClinVar variation 3371193 (VCV003371193.2).